The following is an entry in ClinVar:

ClinVar aggregate classification (germline): Uncertain significance (1 of 4 stars; one submission).

Conditions:
Epidermolysis bullosa simplex 5B, with muscular dystrophy (EBS5B). Also called: Epidermolysis bullosa simplex with muscular dystrophy; EPIDERMOLYSIS BULLOSA SIMPLEX AND LIMB-GIRDLE MUSCULAR DYSTROPHY. Identifiers: Orphanet 257, MedGen C2931072, MONDO:0009181, OMIM 226670.
Epidermolysis bullosa simplex, Ogna type (EBS5A). Also called: Pidermolysis bullosa simplex 5A, Ogna type; EPIDERMOLYSIS BULLOSA SIMPLEX 5A, OGNA TYPE. Identifiers: Orphanet 79401, MedGen C0432317, MONDO:0007555, OMIM 131950.
Autosomal recessive limb-girdle muscular dystrophy type 2Q (LGMDR17). Also called: MUSCULAR DYSTROPHY, LIMB-GIRDLE, AUTOSOMAL RECESSIVE 17. Identifiers: Orphanet 254361, MedGen C3150989, MONDO:0013390, OMIM 613723.
Epidermolysis bullosa simplex with nail dystrophy (EBS5D). Identifiers: MedGen C4225309, MONDO:0014661, OMIM 616487.
Epidermolysis bullosa simplex 5C, with pyloric atresia (EBS5C). Also called: Epidermolysis bullosa simplex with pyloric atresia; PLEC-Related Epidermolysis Bullosa with Pyloric Atresia; PLEC1-Related Epidermolysis Bullosa with Pyloric Atresia. Identifiers: Orphanet 158684, MedGen C2677349, MONDO:0012807, OMIM 612138.

Allele frequency attached by ClinVar (database versions not stated): TOPMed 0.00001; gnomAD 0.00003 and 0.00004; gnomAD exomes 0.00006; ExAC 0.00018.
gnomAD v4.1: 42 of 1,535,762 alleles (0.0027%); highest among the groups gnomAD compares: South Asian, 0.025%; no homozygotes.

Submission:

Labcorp Genetics (formerly Invitae), Labcorp
Classification: Uncertain significance for Autosomal recessive limb-girdle muscular dystrophy type 2Q; Epidermolysis bullosa simplex, Ogna type; Epidermolysis bullosa simplex with nail dystrophy; Epidermolysis bullosa simplex 5C, with pyloric atresia; Epidermolysis bullosa simplex 5B, with muscular dystrophy. Last evaluated: 2026-01-05. Review status: criteria provided, single submitter. Criteria: Invitae Variant Classification Sherloc (09022015). Collection method: clinical testing. Allele origin: germline.
Comment: This sequence change replaces glutamic acid, which is acidic and polar, with lysine, which is basic and polar, at codon 1783 of the PLEC protein (p.Glu1783Lys). This variant is present in population databases (rs782212761, gnomAD 0.05%). This variant has not been reported in the literature in individuals affected with PLEC-related conditions. ClinVar contains an entry for this variant (Variation ID: 959058). Experimental studies and prediction algorithms are not available or were not evaluated, and the functional significance of this variant is currently unknown. In summary, the available evidence is currently insufficient to determine the role of this variant in disease. Therefore, it has been classified as a Variant of Uncertain Significance.

NM_201384.3(PLEC):c.5266G>A (p.Glu1756Lys)

Gene: PLEC (plectin; minus strand). Cytogenetic location: 8q24.3.
Variant type: single nucleotide variant.
Coding change: c.5266G>A on transcript NM_201384.3 (MANE Select); coding-DNA position 5266, G replaced by A.
Protein change: p.Glu1756Lys; replaces glutamic acid 1756 with lysine.
Molecular consequence: missense variant.
Genome position (GRCh38, 1-based): chr8:143,924,663, C>T on the plus strand (G>A on the coding strand, the complement: PLEC is on the minus strand). VCF-style: chr8-143924663-C-T. GRCh37 (hg19) VCF-style: chr8-144998831-C-T.
Other names: c.5347G>A, p.Glu1783Lys (NM_000445.5); c.5224G>A, p.Glu1742Lys (NM_201378.4); c.5200G>A, p.Glu1734Lys (NM_201379.3); c.5677G>A, p.Glu1893Lys (NM_201380.4); c.5170G>A, p.Glu1724Lys (NM_201381.3); c.5266G>A, p.Glu1756Lys (NM_201382.4); c.5278G>A, p.Glu1760Lys (NM_201383.3); short protein forms E1756K, E1760K, E1724K, E1734K, E1742K, E1893K, E1783K.
Identifiers: ClinVar variation 959058 (VCV000959058.7), dbSNP rs782212761, ClinGen allele CA4926393.